The following is an entry in ClinVar:

ClinVar aggregate classification (germline): Uncertain significance (1 of 4 stars; one submission).

gnomAD v4.1: 26 of 1,613,570 alleles (0.0016%); highest among the groups gnomAD compares: Non-Finnish European, 0.002%; no homozygotes.

Submission:

Labcorp Genetics (formerly Invitae), Labcorp
Classification: Uncertain significance. Last evaluated: 2025-10-29. Review status: criteria provided, single submitter. Criteria: Invitae Variant Classification Sherloc (09022015). Collection method: clinical testing. Allele origin: germline.
Comment: This sequence change replaces valine, which is neutral and non-polar, with leucine, which is neutral and non-polar, at codon 788 of the FCHO1 protein (p.Val788Leu). This variant is present in population databases (rs752333328, gnomAD 0.003%). This variant has not been reported in the literature in individuals affected with FCHO1-related conditions. ClinVar contains an entry for this variant (Variation ID: 1507425). An algorithm developed to predict the effect of missense changes on protein structure and function outputs the following: PolyPhen-2: "Benign". The leucine amino acid residue is found in multiple mammalian species, which suggests that this missense change does not adversely affect protein function. In summary, the available evidence is currently insufficient to determine the role of this variant in disease. Therefore, it has been classified as a Variant of Uncertain Significance.

NM_015122.3(FCHO1):c.2362G>C (p.Val788Leu)

Gene: FCHO1 (FCH and mu domain containing endocytic adaptor 1; plus strand). Cytogenetic location: 19p13.11.
Variant type: single nucleotide variant.
Coding change: c.2362G>C on transcript NM_015122.3 (MANE Select); coding-DNA position 2362, G replaced by C.
Protein change: p.Val788Leu; replaces valine 788 with leucine.
Molecular consequence: missense variant. On other transcripts: non-coding transcript variant (35), intron variant (5).
Genome position (GRCh38, 1-based): chr19:17,784,860, G>C. VCF-style: chr19-17784860-G-C. GRCh37 (hg19) VCF-style: chr19-17895669-G-C.
Other names: c.2362G>C, p.Val788Leu (NM_001161357.2, NM_001161358.2, NM_001384370.1 and 11 more transcripts); c.2212G>C, p.Val738Leu (NM_001161359.2, NM_001384384.1, NM_001384385.1 and 1 more transcripts); c.2341G>C, p.Val781Leu (NM_001384387.1); c.2323G>C, p.Val775Leu (NM_001384388.1, NM_001384389.1); c.2287G>C, p.Val763Leu (NM_001384390.1); c.2245G>C, p.Val749Leu (NM_001384392.1, NM_001384393.1, NM_001384394.1 and 1 more transcripts); c.2086G>C, p.Val696Leu (NM_001384396.1, NM_001384397.1, NM_001384398.1 and 4 more transcripts); c.2041G>C, p.Val681Leu (NM_001384403.1); and 5 more; short protein forms V681L, V696L, V738L, V781L, V749L, V763L, V775L, V788L.
Identifiers: ClinVar variation 1507425 (VCV001507425.6), dbSNP rs752333328, ClinGen allele CA9300851.